The following is an entry in ClinVar:

ClinVar aggregate classification (germline): Uncertain significance (1 of 4 stars; one submission).

Submission:

GeneDx
Classification: Uncertain significance. Last evaluated: 2020-01-14. Review status: criteria provided, single submitter. Criteria: GeneDx Variant Classification Process June 2021. Collection method: clinical testing. Allele origin: germline. Affected: yes.
Comment: Not observed in large population cohorts (Lek et al., 2016); In silico analysis, which includes splice and protein predictors and evolutionary conservation, supports a deleterious effect; Has not been previously published as pathogenic or benign to our knowledge

NM_004035.7(ACOX1):c.536G>A (p.Gly179Glu)

Gene: ACOX1 (acyl-CoA oxidase 1; minus strand). Cytogenetic location: 17q25.1.
Variant type: single nucleotide variant.
Coding change: c.536G>A on transcript NM_004035.7 (MANE Select); coding-DNA position 536, G replaced by A.
Protein change: p.Gly179Glu; replaces glycine 179 with glutamic acid.
Molecular consequence: missense variant.
Genome position (GRCh38, 1-based): chr17:75,957,461, C>T on the plus strand (G>A on the coding strand, the complement: ACOX1 is on the minus strand). VCF-style: chr17-75957461-C-T. GRCh37 (hg19) VCF-style: chr17-73953542-C-T.
Other names: c.422G>A, p.Gly141Glu (NM_001185039.2); c.536G>A, p.Gly179Glu (NM_007292.6); short protein forms G141E, G179E.
Identifiers: ClinVar variation 1311347 (VCV001311347.2), dbSNP rs2144262559, ClinGen allele CA401068784.
Genomic context (GRCh38, chr17:75,957,461, plus strand): 5'-AGCAAAATCTCATGACAAACCTTCAAAACATCCAATAAATGCTGAAAAATTCACTTACGC[C>T]CACCAGGCCACCATTTAATGGAGGTCACAGTAGGACTGTTGAGAATGAACTCCTGGGTTT-3'
Protein context (NP_004026.2, residues 169-189): TVTSIKWWPG[Gly179Glu]LGKTSNHAIV